The following is an entry in ClinVar:

NM_000051.4(ATM):c.8337T>A (p.Phe2779Leu)

Genes: ATM (ATM serine/threonine kinase; plus strand), C11orf65 (chromosome 11 open reading frame 65; minus strand). Cytogenetic location: 11q22.3.
Variant type: single nucleotide variant.
Coding change: c.8337T>A on transcript NM_000051.4 (MANE Select); coding-DNA position 8337, T replaced by A.
Protein change: p.Phe2779Leu; replaces phenylalanine 2779 with leucine.
Molecular consequence: missense variant. On other transcripts: intron variant (2).
Genome position (GRCh38, 1-based): chr11:108,343,290, T>A. VCF-style: chr11-108343290-T-A. GRCh37 (hg19) VCF-style: chr11-108214017-T-A.
Other names: c.8337T>A, p.Phe2779Leu (NM_001351834.2); c.641-34219A>T (NM_001330368.2); c.695-7998A>T (NM_001351110.2); short protein forms F2779L.
Identifiers: ClinVar variation 1762976 (VCV001762976.2), dbSNP rs1591248432, ClinGen allele CA382516448.

ClinVar aggregate classification (germline): Uncertain significance (1 of 4 stars; one submission).

Conditions:
Hereditary cancer-predisposing syndrome. Also called: Hereditary neoplastic syndrome; Neoplastic Syndromes, Hereditary; Tumor predisposition; Hereditary Cancer Syndrome. Identifiers: Orphanet 140162, MedGen C0027672, MeSH D009386, MONDO:0015356.

Submission:

Ambry Genetics
Classification: Uncertain significance for Hereditary cancer-predisposing syndrome. Last evaluated: 2021-06-13. Review status: criteria provided, single submitter. Criteria: Ambry Variant Classification Scheme 2023. Collection method: clinical testing. Allele origin: germline.
Comment: The p.F2779L variant (also known as c.8337T>A), located in coding exon 56 of the ATM gene, results from a T to A substitution at nucleotide position 8337. The phenylalanine at codon 2779 is replaced by leucine, an amino acid with highly similar properties. This amino acid position is conserved. In addition, this alteration is predicted to be tolerated by in silico analysis. Since supporting evidence is limited at this time, the clinical significance of this alteration remains unclear.